The following is an entry in ClinVar:

ClinVar aggregate classification (germline): Pathogenic (1 of 4 stars; one submission).

Conditions:
Inosine triphosphatase deficiency. Also called: INOSINE TRIPHOSPHATE PYROPHOSPHOHYDROLASE DEFICIENCY. Identifiers: MedGen C0342800, MONDO:0013461, OMIM 613850.

Submission:

Labcorp Genetics (formerly Invitae), Labcorp
Classification: Pathogenic for Inosine triphosphatase deficiency. Last evaluated: 2024-01-08. Review status: criteria provided, single submitter. Criteria: Invitae Variant Classification Sherloc (09022015). Collection method: clinical testing. Allele origin: germline.
Comment: This variant is a gross deletion of the genomic region encompassing exon(s) 5 of the ITPA gene. This deletion is out-of-frame, and is expected to create a premature termination codon and result in an absent or disrupted protein product. Loss-of-function variants in ITPA are known to be pathogenic (PMID: 26224535). A similar copy number variant has been observed in individual(s) with inosine triphosphatase deficiency (PMID: 26224535). It has also been observed to segregate with disease in related individuals. For these reasons, this variant has been classified as Pathogenic.

Literature cited by the submitters: PubMed 26224535.

NC_000020.10:g.(?_3195907)_(3195978_?)del

Gene: ITPA (inosine triphosphatase; plus strand). Cytogenetic location: 20p13.
Variant type: Deletion.
Identifiers: ClinVar variation 2427135 (VCV002427135.5).